The following is an entry in ClinVar:

ClinVar aggregate classification (germline): Uncertain significance (1 of 4 stars; one submission).

Conditions:
Acrocallosal syndrome (ACLS). Also called: HALLUX DUPLICATION, POSTAXIAL POLYDACTYLY, AND ABSENCE OF CORPUS CALLOSUM; Schinzel syndrome 1; Absence of corpus callosum with unusual facial appearance, mental deficiency, duplication of the halluces and polydactyly. Identifiers: Orphanet 36, MedGen C0796147, MONDO:0008708, OMIM 200990.

Allele frequency attached by ClinVar (database versions not stated): gnomAD 0.00001; ExAC 0.00002; TOPMed 0.00002.
gnomAD v4.1: 15 of 1,607,296 alleles (0.00093%); highest among the groups gnomAD compares: South Asian, 0.0011%; no homozygotes.

Submission:

Labcorp Genetics (formerly Invitae), Labcorp
Classification: Uncertain significance for Acrocallosal syndrome. Last evaluated: 2022-07-02. Review status: criteria provided, single submitter. Criteria: Invitae Variant Classification Sherloc (09022015). Collection method: clinical testing. Allele origin: germline.
Comment: This sequence change replaces arginine, which is basic and polar, with glutamine, which is neutral and polar, at codon 926 of the KIF7 protein (p.Arg926Gln). The frequency data for this variant in the population databases is considered unreliable, as metrics indicate poor data quality at this position in the gnomAD database. This variant has not been reported in the literature in individuals affected with KIF7-related conditions. Algorithms developed to predict the effect of missense changes on protein structure and function are either unavailable or do not agree on the potential impact of this missense change (SIFT: "Deleterious"; PolyPhen-2: "Possibly Damaging"; Align-GVGD: "Class C0"). In summary, the available evidence is currently insufficient to determine the role of this variant in disease. Therefore, it has been classified as a Variant of Uncertain Significance.

NM_198525.3(KIF7):c.2777G>A (p.Arg926Gln)

Gene: KIF7 (kinesin family member 7; minus strand). Cytogenetic location: 15q26.1.
Variant type: single nucleotide variant.
Coding change: c.2777G>A on transcript NM_198525.3 (MANE Select); coding-DNA position 2777, G replaced by A.
Protein change: p.Arg926Gln; replaces arginine 926 with glutamine.
Molecular consequence: missense variant.
Genome position (GRCh38, 1-based): chr15:89,632,938, C>T on the plus strand (G>A on the coding strand, the complement: KIF7 is on the minus strand). VCF-style: chr15-89632938-C-T. GRCh37 (hg19) VCF-style: chr15-90176169-C-T.
Other names: short protein forms R926Q.
Identifiers: ClinVar variation 2066084 (VCV002066084.1), dbSNP rs753737326, ClinGen allele CA7727949.